The following is an entry in ClinVar:

ClinVar aggregate classification (germline): Uncertain significance (1 of 4 stars; one submission).

Conditions:
Hereditary cancer-predisposing syndrome. Also called: Neoplastic Syndromes, Hereditary; Hereditary Cancer Syndrome; Tumor predisposition; Hereditary neoplastic syndrome. Identifiers: Orphanet 140162, MedGen C0027672, MeSH D009386, MONDO:0015356.

Submission:

Ambry Genetics
Classification: Uncertain significance for Hereditary cancer-predisposing syndrome. Last evaluated: 2022-12-18. Review status: criteria provided, single submitter. Criteria: Ambry Variant Classification Scheme 2023. Collection method: clinical testing. Allele origin: germline.
Comment: The p.S690I variant (also known as c.2069G>T), located in coding exon 14 of the CTNNA1 gene, results from a G to T substitution at nucleotide position 2069. The serine at codon 690 is replaced by isoleucine, an amino acid with dissimilar properties. This amino acid position is conserved. In addition, the in silico prediction for this alteration is inconclusive. Since supporting evidence is limited at this time, the clinical significance of this alteration remains unclear.

NM_001903.5(CTNNA1):c.2069G>T (p.Ser690Ile)

Gene: CTNNA1 (catenin alpha 1; plus strand). Cytogenetic location: 5q31.2.
Variant type: single nucleotide variant.
Coding change: c.2069G>T on transcript NM_001903.5 (MANE Select); coding-DNA position 2069, G replaced by T.
Protein change: p.Ser690Ile; replaces serine 690 with isoleucine.
Molecular consequence: missense variant.
Genome position (GRCh38, 1-based): chr5:138,930,531, G>T. VCF-style: chr5-138930531-G-T. GRCh37 (hg19) VCF-style: chr5-138266220-G-T.
Other names: c.2069G>T, p.Ser690Ile (NM_001290307.3, NM_001323982.2, NM_001323983.1 and 2 more transcripts); c.1760G>T, p.Ser587Ile (NM_001290309.3); c.1700G>T, p.Ser567Ile (NM_001290310.3); c.959G>T, p.Ser320Ile (NM_001290312.1, NM_001323987.1, NM_001323988.1 and 17 more transcripts); c.1976G>T, p.Ser659Ile (NM_001323986.2); c.620G>T, p.Ser207Ile (NM_001324006.1, NM_001324007.1, NM_001324008.1 and 2 more transcripts); c.866G>T, p.Ser289Ile (NM_001324011.1); c.716G>T, p.Ser239Ile (NM_001324012.1, NM_001324013.1); short protein forms S320I, S587I, S690I, S289I, S207I, S567I, S659I, S239I.
Identifiers: ClinVar variation 2448337 (VCV002448337.2), dbSNP rs2150334359, ClinGen allele CA361133425.